The following is an entry in ClinVar:

NM_021147.5(CCNO):c.875_897del (p.Asp292fs)

Gene: CCNO (cyclin O; minus strand). Cytogenetic location: 5q11.2.
Variant type: Deletion.
Coding change: c.875_897del on transcript NM_021147.5 (MANE Select); coding-DNA positions 875 to 897, 23 bases deleted (ACCGCATGCTGCGGGTCTCGCGG).
Protein change: p.Asp292fs; shifts the reading frame from aspartic acid 292.
Molecular consequence: frameshift variant. On other transcripts: non-coding transcript variant (3).
Genome position (GRCh38, 1-based): chr5:55,231,531-55,231,553, CCGCGAGACCCGCAGCATGCGGT deleted on the plus strand (ACCGCATGCTGCGGGTCTCGCGG on the coding strand, the reverse complement: CCNO is on the minus strand); deleting any 23 consecutive bases within chr5:55,231,531-55,231,557 gives the same sequence; the c. name uses the placement nearest the transcript's 3' end. VCF-style (leftmost placement, unchanged base first): chr5-55231530-GCCGCGAGACCCGCAGCATGCGGT-G. GRCh37 (hg19) VCF-style: chr5-54527358-GCCGCGAGACCCGCAGCATGCGGT-G.
Other names: short protein forms D292fs.
Identifiers: ClinVar variation 861050 (VCV000861050.9), dbSNP rs1176911729, ClinGen allele CA559800448.

ClinVar aggregate classification (germline): Pathogenic (1 of 4 stars; one submission).

Conditions:
Primary ciliary dyskinesia. Also called: Ciliary dyskinesia. Identifiers: Orphanet 244, MedGen C0008780, MONDO:0016575, HP:0012265.

Submission:

Labcorp Genetics (formerly Invitae), Labcorp
Classification: Pathogenic for Primary ciliary dyskinesia. Last evaluated: 2026-01-25. Review status: criteria provided, single submitter. Criteria: Invitae Variant Classification Sherloc (09022015). Collection method: clinical testing. Allele origin: germline.
Comment: This sequence change creates a premature translational stop signal (p.Asp292Alafs*71) in the CCNO gene. While this is not anticipated to result in nonsense mediated decay, it is expected to disrupt the last 59 amino acid(s) of the CCNO protein. This variant is present in population databases (no rsID available, gnomAD no frequency). This variant has not been reported in the literature in individuals affected with CCNO-related conditions. ClinVar contains an entry for this variant (Variation ID: 861050). Experimental studies and prediction algorithms are not available or were not evaluated, and the functional significance of this variant is currently unknown. This variant disrupts a region of the CCNO protein in which other variant(s) (p.Gln321*) have been determined to be pathogenic (PMID: 24747639, 26139845). This suggests that this is a clinically significant region of the protein, and that variants that disrupt it are likely to be disease-causing. For these reasons, this variant has been classified as Pathogenic.

Literature cited by the submitters: PubMed 24747639; PubMed 26139845.